The following is an entry in ClinVar:

ClinVar aggregate classification (germline): Uncertain significance (1 of 4 stars; one submission).

gnomAD v4.1: 1 of 1,613,976 alleles (0.000062%); highest among the groups gnomAD compares: Non-Finnish European, 0.000085%; no homozygotes.

Submission:

Labcorp Genetics (formerly Invitae), Labcorp
Classification: Uncertain significance. Last evaluated: 2022-08-19. Review status: criteria provided, single submitter. Criteria: Invitae Variant Classification Sherloc (09022015). Collection method: clinical testing. Allele origin: germline.
Comment: This sequence change replaces isoleucine, which is neutral and non-polar, with threonine, which is neutral and polar, at codon 376 of the LRP5 protein (p.Ile376Thr). This variant is not present in population databases (gnomAD no frequency). This variant has not been reported in the literature in individuals affected with LRP5-related conditions. ClinVar contains an entry for this variant (Variation ID: 1408639). Advanced modeling of protein sequence and biophysical properties (such as structural, functional, and spatial information, amino acid conservation, physicochemical variation, residue mobility, and thermodynamic stability) performed at Invitae indicates that this missense variant is expected to disrupt LRP5 protein function. In summary, the available evidence is currently insufficient to determine the role of this variant in disease. Therefore, it has been classified as a Variant of Uncertain Significance.

NM_002335.4(LRP5):c.1127T>C (p.Ile376Thr)

Gene: LRP5 (LDL receptor related protein 5; plus strand). Cytogenetic location: 11q13.2.
Variant type: single nucleotide variant.
Coding change: c.1127T>C on transcript NM_002335.4 (MANE Select); coding-DNA position 1127, T replaced by C.
Protein change: p.Ile376Thr; replaces isoleucine 376 with threonine.
Molecular consequence: missense variant. On other transcripts: 5 prime UTR variant (1).
Genome position (GRCh38, 1-based): chr11:68,386,427, T>C. VCF-style: chr11-68386427-T-C. GRCh37 (hg19) VCF-style: chr11-68153895-T-C.
Other names: c.-639T>C (NM_001291902.2); short protein forms I376T.
Identifiers: ClinVar variation 1408639 (VCV001408639.6), dbSNP rs2153153116, ClinGen allele CA381612288.